The following is an entry in ClinVar:

ClinVar aggregate classification (germline): Uncertain significance (1 of 4 stars; one submission).

Conditions:
Familial thoracic aortic aneurysm and aortic dissection (TAAD). Also called: Thoracic aortic aneurysms and dissections. Identifiers: Orphanet 91387, MedGen C4707243, MONDO:0019625.

Allele frequency attached by ClinVar (database versions not stated): TOPMed 0.00001.

Submission:

Color Diagnostics, LLC DBA Color Health
Classification: Uncertain significance for Familial thoracic aortic aneurysm and aortic dissection. Last evaluated: 2023-08-03. Review status: criteria provided, single submitter. Criteria: ACMG Guidelines, 2015. Collection method: clinical testing. Allele origin: germline.
Comment: This missense variant replaces threonine with alanine at codon 1401 of the FBN1 protein. Computational prediction suggests that this variant may not impact protein structure and function (internally defined REVEL score threshold <= 0.5, PMID: 27666373). To our knowledge, functional studies have not been reported for this variant. This variant has been reported in an individual affected with Marfan syndrome (PMID: 21542060). This variant has not been identified in the general population by the Genome Aggregation Database (gnomAD). The available evidence is insufficient to determine the role of this variant in disease conclusively. Therefore, this variant is classified as a Variant of Uncertain Significance.

Literature cited by the submitters: PubMed 21542060.

NM_000138.5(FBN1):c.4201A>G (p.Thr1401Ala)

Gene: FBN1 (fibrillin 1; minus strand). Cytogenetic location: 15q21.1.
Variant type: single nucleotide variant.
Coding change: c.4201A>G on transcript NM_000138.5 (MANE Select); coding-DNA position 4201, A replaced by G.
Protein change: p.Thr1401Ala; replaces threonine 1401 with alanine.
Molecular consequence: missense variant.
Genome position (GRCh38, 1-based): chr15:48,474,264, T>C on the plus strand (A>G on the coding strand, the complement: FBN1 is on the minus strand). VCF-style: chr15-48474264-T-C. GRCh37 (hg19) VCF-style: chr15-48766461-T-C.
Other names: c.4201A>G, p.Thr1401Ala (NM_001406716.1); short protein forms T1401A.
Identifiers: ClinVar variation 2773347 (VCV002773347.2), dbSNP rs1420739555, ClinGen allele CA392319924.
Genomic context (GRCh38, chr15:48,474,264, plus strand): 5'-GCCTGGCTTCTCTGACTAGTGTTGACACAGTTGTTTCCAGCGTGAACATACCTGTACAAG[T>C]GAAGCCATCACCTGTGTATCCTTCCTTGCACAGACAGCGGTAAGATCCCATGGTATTCTT-3'
Protein context (NP_000129.3, residues 1391-1411): CKEGYTGDGF[Thr1401Ala]CTDLDECSEN